The following is an entry in ClinVar:

ClinVar aggregate classification (germline): Uncertain significance (1 of 4 stars; one submission).

Allele frequency attached by ClinVar (database versions not stated): TOPMed below 0.00001; gnomAD exomes 0.00001.
gnomAD v4.1: 7 of 1,613,874 alleles (0.00043%); highest among the groups gnomAD compares: Non-Finnish European, 0.00059%; no homozygotes.

Submission:

Labcorp Genetics (formerly Invitae), Labcorp
Classification: Uncertain significance. Last evaluated: 2024-10-22. Review status: criteria provided, single submitter. Criteria: Invitae Variant Classification Sherloc (09022015). Collection method: clinical testing. Allele origin: germline.
Comment: This sequence change replaces valine, which is neutral and non-polar, with alanine, which is neutral and non-polar, at codon 406 of the IL6ST protein (p.Val406Ala). This variant is not present in population databases (gnomAD no frequency). This variant has not been reported in the literature in individuals affected with IL6ST-related conditions. An algorithm developed to predict the effect of missense changes on protein structure and function outputs the following: PolyPhen-2: "Benign". The alanine amino acid residue is found in multiple mammalian species, which suggests that this missense change does not adversely affect protein function. In summary, the available evidence is currently insufficient to determine the role of this variant in disease. Therefore, it has been classified as a Variant of Uncertain Significance.

NM_002184.4(IL6ST):c.1217T>C (p.Val406Ala)

Gene: IL6ST (interleukin 6 cytokine family signal transducer; minus strand). Cytogenetic location: 5q11.2.
Variant type: single nucleotide variant.
Coding change: c.1217T>C on transcript NM_002184.4 (MANE Select); coding-DNA position 1217, T replaced by C.
Protein change: p.Val406Ala; replaces valine 406 with alanine.
Molecular consequence: missense variant. On other transcripts: 3 prime UTR variant (1), non-coding transcript variant (2).
Genome position (GRCh38, 1-based): chr5:55,956,075, A>G on the plus strand (T>C on the coding strand, the complement: IL6ST is on the minus strand). VCF-style: chr5-55956075-A-G. GRCh37 (hg19) VCF-style: chr5-55251903-A-G.
Other names: c.1217T>C, p.Val406Ala (NM_001190981.2, NM_001364275.2); c.1007T>C, p.Val336Ala (NM_001364276.2); c.350T>C, p.Val117Ala (NM_001364277.2); c.314T>C, p.Val105Ala (NM_001364278.2); c.221T>C, p.Val74Ala (NM_001364279.2); c.*144T>C (NM_175767.3); short protein forms V406A, V74A, V105A, V336A, V117A.
Identifiers: ClinVar variation 2992528 (VCV002992528.3), dbSNP rs1003001266, ClinGen allele CA119048550.